The following is an entry in ClinVar:

NM_173728.4(ARHGEF15):c.743G>A (p.Arg248His)

Gene: ARHGEF15 (Rho guanine nucleotide exchange factor 15; plus strand). Cytogenetic location: 17p13.1.
Variant type: single nucleotide variant.
Coding change: c.743G>A on transcript NM_173728.4 (MANE Select); coding-DNA position 743, G replaced by A.
Protein change: p.Arg248His; replaces arginine 248 with histidine.
Molecular consequence: missense variant.
Genome position (GRCh38, 1-based): chr17:8,313,063, G>A. VCF-style: chr17-8313063-G-A. GRCh37 (hg19) VCF-style: chr17-8216381-G-A.
Other names: c.743G>A, p.Arg248His (NM_025014.2); short protein forms R248H.
Identifiers: ClinVar variation 661704 (VCV000661704.9), dbSNP rs376834708, ClinGen allele CA8374973.
Genomic context (GRCh38, chr17:8,313,063, plus strand): 5'-TGGGGGGCTATGAGGAGGTCCCCAGGGTCCCCCGTCGGGCCTCCCCGCTGCGGACCTCTC[G>A]CTCCCGCCCCCACCCTCCAAGCATCGGTCACCCTGCCGTTGTCCTCACATCCTACCGCTC-3'
Protein context (NP_776089.2, residues 238-258): PRRASPLRTS[Arg248His]SRPHPPSIGH

ClinVar aggregate classification (germline): Uncertain significance (1 of 4 stars; one submission).

Conditions:
Early-infantile DEE. Also called: Early infantile epileptic encephalopathy with suppression bursts; Ohtahara syndrome; Early infantile epileptic encephalopathy. Identifiers: Orphanet 1934, MedGen C0393706, MONDO:0800491.

Allele frequency attached by ClinVar (database versions not stated): ExAC 0.00003; gnomAD exomes 0.00003; gnomAD 0.00005 and 0.00006; ESP Exome Variant Server 0.00008; TOPMed 0.00010.
gnomAD v4.1: 52 of 1,613,146 alleles (0.0032%); highest among the groups gnomAD compares: Non-Finnish European, 0.0036%; no homozygotes.

Submission:

Labcorp Genetics (formerly Invitae), Labcorp
Classification: Uncertain significance for Early-infantile DEE. Last evaluated: 2025-08-18. Review status: criteria provided, single submitter. Criteria: Invitae Variant Classification Sherloc (09022015). Collection method: clinical testing. Allele origin: germline.
Comment: This sequence change replaces arginine, which is basic and polar, with histidine, which is basic and polar, at codon 248 of the ARHGEF15 protein (p.Arg248His). This variant is present in population databases (rs376834708, gnomAD 0.006%). This variant has not been reported in the literature in individuals affected with ARHGEF15-related conditions. ClinVar contains an entry for this variant (Variation ID: 661704). An algorithm developed to predict the effect of missense changes on protein structure and function (PolyPhen-2) suggests that this variant is likely to be tolerated. Algorithms developed to predict the effect of sequence changes on RNA splicing suggest that this variant may create or strengthen a splice site. In summary, the available evidence is currently insufficient to determine the role of this variant in disease. Therefore, it has been classified as a Variant of Uncertain Significance.